The following is an entry in ClinVar:

NM_004168.4(SDHA):c.298A>G (p.Thr100Ala)

Gene: SDHA (succinate dehydrogenase complex flavoprotein subunit A; plus strand). Cytogenetic location: 5p15.33.
Variant type: single nucleotide variant.
Coding change: c.298A>G on transcript NM_004168.4 (MANE Select); coding-DNA position 298, A replaced by G.
Protein change: p.Thr100Ala; replaces threonine 100 with alanine.
Molecular consequence: missense variant.
Genome position (GRCh38, 1-based): chr5:224,507, A>G. VCF-style: chr5-224507-A-G. GRCh37 (hg19) VCF-style: chr5-224622-A-G.
Other names: c.298A>G, p.Thr100Ala (NM_001294332.2, NM_001330758.2); short protein forms T100A.
Identifiers: ClinVar variation 3223742 (VCV003223742.3), dbSNP rs1304729997, ClinGen allele CA359008670.
Genomic context (GRCh38, chr5:224,507, plus strand): 5'-CTTTCTGAGGCAGGGTTTAATACAGCATGTGTTACCAAGCTGTTTCCTACCAGGTCACAC[A>G]CTGTTGCAGCACAGGTAAGAGAAAGGTGCCCCACTGTGCTCCCACTCCGTGCAGGTCCCG-3'
Protein context (NP_004159.2, residues 90-110): VTKLFPTRSH[Thr100Ala]VAAQGGINAA

ClinVar aggregate classification (germline): Uncertain significance. Review status: criteria provided, multiple submitters, no conflicts (2 of 4 stars). 2 submissions from 2 submitters: Uncertain significance (2). Last evaluated 2024-10-01.

Conditions:
Mitochondrial complex II deficiency, nuclear type 1. Also called: SUCCINATE CoQ REDUCTASE DEFICIENCY. Identifiers: Orphanet 3208, MedGen C5700310, MONDO:0100294, OMIM 252011.
Pheochromocytoma/paraganglioma syndrome 5. Also called: Paragangliomas 5; SDHA-Related Hereditary Paraganglioma-Pheochromocytoma Syndrome. Identifiers: Orphanet 29072, MedGen C3279992, MONDO:0013602, OMIM 614165.
Hereditary cancer-predisposing syndrome. Also called: Tumor predisposition; Hereditary Cancer Syndrome; Neoplastic Syndromes, Hereditary; Hereditary neoplastic syndrome. Identifiers: Orphanet 140162, MedGen C0027672, MeSH D009386, MONDO:0015356.

Allele frequency attached by ClinVar (database versions not stated): gnomAD exomes below 0.00001.
gnomAD v4.1: 1 of 1,612,676 alleles (0.000062%); no homozygotes.

Submissions (2):

Labcorp Genetics (formerly Invitae), Labcorp
Classification: Uncertain significance for Pheochromocytoma/paraganglioma syndrome 5; Mitochondrial complex II deficiency, nuclear type 1. Last evaluated: 2024-10-01. Review status: criteria provided, single submitter. Criteria: Invitae Variant Classification Sherloc (09022015). Collection method: clinical testing. Allele origin: germline.
Comment: This sequence change replaces threonine, which is neutral and polar, with alanine, which is neutral and non-polar, at codon 100 of the SDHA protein (p.Thr100Ala). This variant is present in population databases (no rsID available, gnomAD 0.01%). This variant has not been reported in the literature in individuals affected with SDHA-related conditions. Invitae Evidence Modeling of protein sequence and biophysical properties (such as structural, functional, and spatial information, amino acid conservation, physicochemical variation, residue mobility, and thermodynamic stability) has been performed for this missense variant. However, the output from this modeling did not meet the statistical confidence thresholds required to predict the impact of this variant on SDHA protein function. In summary, the available evidence is currently insufficient to determine the role of this variant in disease. Therefore, it has been classified as a Variant of Uncertain Significance.

Ambry Genetics
Classification: Uncertain significance for Hereditary cancer-predisposing syndrome. Last evaluated: 2023-11-17. Review status: criteria provided, single submitter. Criteria: Ambry Variant Classification Scheme 2023. Collection method: clinical testing. Allele origin: germline.
Comment: The p.T100A variant (also known as c.298A>G), located in coding exon 3 of the SDHA gene, results from an A to G substitution at nucleotide position 298. The threonine at codon 100 is replaced by alanine, an amino acid with similar properties. This amino acid position is highly conserved in available vertebrate species. In addition, this alteration is predicted to be deleterious by in silico analysis. Since supporting evidence is limited at this time, the clinical significance of this alteration remains unclear.